The following is an entry in ClinVar:

ClinVar aggregate classification (germline): Uncertain significance (1 of 4 stars; one submission).

Submission:

CeGaT Center for Human Genetics Tuebingen
Classification: Uncertain significance. Last evaluated: 2025-10-01. Review status: criteria provided, single submitter. Criteria: CeGaT Center For Human Genetics Tuebingen Variant Classification Criteria Version 2. Collection method: clinical testing. Allele origin: germline. Affected: yes. Observed: 1 variant allele.
Comment: SCO1: PM2, BP4

NM_004589.4(SCO1):c.566G>A (p.Ser189Asn)

Gene: SCO1 (synthesis of cytochrome C oxidase 1; minus strand). Cytogenetic location: 17p13.1.
Variant type: single nucleotide variant.
Coding change: c.566G>A on transcript NM_004589.4 (MANE Select); coding-DNA position 566, G replaced by A.
Protein change: p.Ser189Asn; replaces serine 189 with asparagine.
Molecular consequence: missense variant.
Genome position (GRCh38, 1-based): chr17:10,691,961, C>T on the plus strand (G>A on the coding strand, the complement: SCO1 is on the minus strand). VCF-style: chr17-10691961-C-T. GRCh37 (hg19) VCF-style: chr17-10595278-C-T.
Other names: short protein forms S189N.
Identifiers: ClinVar variation 4534685 (VCV004534685.6).